The following is an entry in ClinVar:

ClinVar aggregate classification (germline): Uncertain significance (1 of 4 stars; one submission).

Conditions:
Hereditary cancer-predisposing syndrome. Also called: Hereditary Cancer Syndrome; Neoplastic Syndromes, Hereditary; Tumor predisposition; Hereditary neoplastic syndrome. Identifiers: Orphanet 140162, MedGen C0027672, MeSH D009386, MONDO:0015356.

gnomAD v4.1: 2 of 1,603,156 alleles (0.00012%); highest among the groups gnomAD compares: South Asian, 0.0022%; no homozygotes.

Submission:

Ambry Genetics
Classification: Uncertain significance for Hereditary cancer-predisposing syndrome. Last evaluated: 2026-09-11. Review status: criteria provided, single submitter. Criteria: Ambry Variant Classification Scheme 2023. Collection method: clinical testing. Allele origin: germline.
Comment: The p.I181M variant (also known as c.543C>G), located in coding exon 5 of the EPCAM gene, results from a C to G substitution at nucleotide position 543. The isoleucine at codon 181 is replaced by methionine, an amino acid with highly similar properties. This amino acid position is conserved. In addition, the in silico prediction for this alteration is inconclusive. Based on the available evidence, the clinical significance of this variant remains unclear.

NM_002354.3(EPCAM):c.543C>G (p.Ile181Met)

Gene: EPCAM (epithelial cell adhesion molecule; plus strand). Cytogenetic location: 2p21.
Variant type: single nucleotide variant.
Coding change: c.543C>G on transcript NM_002354.3 (MANE Select); coding-DNA position 543, C replaced by G.
Protein change: p.Ile181Met; replaces isoleucine 181 with methionine.
Molecular consequence: missense variant.
Genome position (GRCh38, 1-based): chr2:47,377,065, C>G. VCF-style: chr2-47377065-C-G. GRCh37 (hg19) VCF-style: chr2-47604204-C-G.
Other names: short protein forms I181M.
Identifiers: ClinVar variation 5036037 (VCV005036037.1).